The following is an entry in ClinVar:

ClinVar aggregate classification (germline): Pathogenic (1 of 4 stars; one submission).

Conditions:
Mowat-Wilson syndrome (MOWS). Also called: Classic Mowat-Wilson Syndrome. Identifiers: Orphanet 2152, MedGen C1856113, MONDO:0009341, OMIM 235730.

Submission:

Labcorp Genetics (formerly Invitae), Labcorp
Classification: Pathogenic for Mowat-Wilson syndrome. Last evaluated: 2018-09-06. Review status: criteria provided, single submitter. Criteria: Invitae Variant Classification Sherloc (09022015). Collection method: clinical testing. Allele origin: germline.
Comment: This sequence change creates a premature translational stop signal (p.Val340*) in the ZEB2 gene. It is expected to result in an absent or disrupted protein product. This variant is not present in population databases (ExAC no frequency). This variant has not been reported in the literature in individuals with ZEB2-related disease. Loss-of-function variants in ZEB2 are known to be pathogenic (PMID: 16053902). For these reasons, this variant has been classified as Pathogenic.

Literature cited by the submitters: PubMed 16053902.

NM_014795.4(ZEB2):c.1017del (p.Ser339_Val340insTer)

Gene: ZEB2 (zinc finger E-box binding homeobox 2; minus strand). Cytogenetic location: 2q22.3.
Variant type: Deletion.
Coding change: c.1017del on transcript NM_014795.4 (MANE Select); coding-DNA position 1017, one base deleted (T; older notation c.1017delT).
Protein change: p.Ser339_Val340insTer.
Molecular consequence: frameshift variant.
Genome position (GRCh38, 1-based): chr2:144,400,170, A deleted on the plus strand (T on the coding strand, the reverse complement: ZEB2 is on the minus strand). VCF-style (leftmost placement, unchanged base first): chr2-144400169-CA-C. GRCh37 (hg19) VCF-style: chr2-145157736-CA-C.
Other names: c.945del, p.Ser315_Val316insTer (NM_001171653.2).
Identifiers: ClinVar variation 650576 (VCV000650576.6), dbSNP rs1573717685, ClinGen allele CA915942798.